The following is an entry in ClinVar:

NM_004380.3(CREBBP):c.2364C>T (p.Pro788=)

Gene: CREBBP (CREB binding lysine acetyltransferase; minus strand). Cytogenetic location: 16p13.3.
Variant type: single nucleotide variant.
Coding change: c.2364C>T on transcript NM_004380.3 (MANE Select); coding-DNA position 2364, C replaced by T.
Protein change: p.Pro788=; no amino-acid change (proline 788 retained).
Molecular consequence: synonymous variant.
Genome position (GRCh38, 1-based): chr16:3,773,850, G>A on the plus strand (C>T on the coding strand, the complement: CREBBP is on the minus strand). VCF-style: chr16-3773850-G-A. GRCh37 (hg19) VCF-style: chr16-3823851-G-A.
Other names: c.2250C>T, p.Pro750= (NM_001079846.1).
Identifiers: ClinVar variation 1188360 (VCV001188360.13), dbSNP rs201070000, ClinGen allele CA7870153.

ClinVar aggregate classification (germline): Likely benign. Review status: criteria provided, multiple submitters, no conflicts (2 of 4 stars). 6 submissions from 6 submitters: Likely benign (5). 1 of the submissions does not count toward it. Last evaluated 2026-08-01.

Conditions:
Inborn genetic diseases. Identifiers: MedGen C0950123, MeSH D030342.
Rubinstein-Taybi syndrome (RSTS). Identifiers: Orphanet 783, MedGen C0035934, MONDO:0019188.
CREBBP-related disorder. Also called: CREBBP-related disorders; CREBBP-related condition.

Allele frequency attached by ClinVar (database versions not stated): TOPMed 0.00002; gnomAD 0.00006 and 0.00007; gnomAD exomes 0.00006; ExAC 0.00007; 1000 Genomes Project 0.00040; 1000 Genomes Project 30x 0.00047.
gnomAD v4.1: 135 of 1,612,364 alleles (0.0084%); highest among the groups gnomAD compares: Middle Eastern, 0.11%; no homozygotes.

Submissions (6):

CeGaT Center for Human Genetics Tuebingen
Classification: Likely benign. Last evaluated: 2026-08-01. Review status: criteria provided, single submitter. Criteria: CeGaT Center For Human Genetics Tuebingen Variant Classification Criteria Version 2. Collection method: clinical testing. Allele origin: germline. Affected: yes. Observed: 1 variant allele.
Comment: CREBBP: BP4, BP7

Labcorp Genetics (formerly Invitae), Labcorp
Classification: Likely benign for Rubinstein-Taybi syndrome. Last evaluated: 2026-01-07. Review status: criteria provided, single submitter. Criteria: Invitae Variant Classification Sherloc (09022015). Collection method: clinical testing. Allele origin: germline.

GeneDx
Classification: Likely benign. Last evaluated: 2020-12-11. Review status: criteria provided, single submitter. Criteria: GeneDx Variant Classification Process June 2021. Collection method: clinical testing. Allele origin: germline. Affected: yes.

Ambry Genetics
Classification: Likely benign for Inborn genetic diseases. Last evaluated: 2017-09-20. Review status: criteria provided, single submitter. Criteria: Ambry Variant Classification Scheme 2023. Collection method: clinical testing. Allele origin: germline.

Breakthrough Genomics
Classification: Likely benign. Review status: criteria provided, single submitter. Criteria: ACMG Guidelines, 2015. Collection method: not provided. Allele origin: germline. Inheritance: Autosomal dominant inheritance. Affected: yes.

PreventionGenetics, part of Exact Sciences
Classification: Likely benign for CREBBP-related condition. Last evaluated: 2021-11-09. Review status: no assertion criteria provided. Collection method: clinical testing. Allele origin: germline. Not counted in ClinVar's aggregate classification.
Comment: This variant is classified as likely benign based on ACMG/AMP sequence variant interpretation guidelines (Richards et al. 2015 PMID: 25741868, with internal and published modifications).